The following is an entry in ClinVar:

NM_145259.3(ACVR1C):c.448A>C (p.Asn150His)

Gene: ACVR1C (activin A receptor type 1C; minus strand). Cytogenetic location: 2q24.1.
Variant type: single nucleotide variant.
Coding change: c.448A>C on transcript NM_145259.3 (MANE Select); coding-DNA position 448, A replaced by C.
Protein change: p.Asn150His; replaces asparagine 150 with histidine.
Molecular consequence: missense variant. On other transcripts: intron variant (2).
Genome position (GRCh38, 1-based): chr2:157,556,189, T>G on the plus strand (A>C on the coding strand, the complement: ACVR1C is on the minus strand). VCF-style: chr2-157556189-T-G. GRCh37 (hg19) VCF-style: chr2-158412701-T-G.
Other names: c.298A>C, p.Asn100His (NM_001111031.2); c.305-11577A>C (NM_001111033.2); c.305-5797A>C (NM_001111032.2); short protein forms N150H, N100H.
Identifiers: ClinVar variation 780099 (VCV000780099.7), dbSNP rs55920843, ClinGen allele CA1918804.

ClinVar aggregate classification (germline): Benign. Review status: criteria provided, multiple submitters, no conflicts (2 of 4 stars). 3 submissions from 3 submitters: Benign (2). 1 of the submissions does not count toward it. Last evaluated 2019-12-31.

Conditions:
ACVR1C-related disorder. Also called: ACVR1C-related condition.

Allele frequency attached by ClinVar (database versions not stated): ESP Exome Variant Server 0.00800; gnomAD exomes 0.00592; ExAC 0.00604; gnomAD 0.00606 and 0.00605; 1000 Genomes Project 0.00359; 1000 Genomes Project 30x 0.00406; TOPMed 0.00604.
gnomAD v4.1: 14,476 of 1,614,074 alleles (0.9%); highest among the groups gnomAD compares: Non-Finnish European, 1.1%; 85 homozygotes.

Submissions (3):

Labcorp Genetics (formerly Invitae), Labcorp
Classification: Benign. Last evaluated: 2019-12-31. Review status: criteria provided, single submitter. Criteria: Invitae Variant Classification Sherloc (09022015). Collection method: clinical testing. Allele origin: germline.

Breakthrough Genomics
Classification: Benign. Review status: criteria provided, single submitter. Criteria: ACMG Guidelines, 2015. Collection method: not provided. Allele origin: germline. Inheritance: Unknown mechanism. Affected: yes.

PreventionGenetics, part of Exact Sciences
Classification: Benign for ACVR1C-related condition. Last evaluated: 2019-06-04. Review status: no assertion criteria provided. Collection method: clinical testing. Allele origin: germline. Not counted in ClinVar's aggregate classification.
Comment: This variant is classified as benign based on ACMG/AMP sequence variant interpretation guidelines (Richards et al. 2015 PMID: 25741868, with internal and published modifications).